The following is an entry in ClinVar:

ClinVar aggregate classification (germline): Uncertain significance (1 of 4 stars; one submission).

Conditions:
Aicardi-Goutieres syndrome 2. Identifiers: Orphanet 51, MedGen C3489724, MONDO:0012429, OMIM 610181.

Submission:

Labcorp Genetics (formerly Invitae), Labcorp
Classification: Uncertain significance for Aicardi Goutieres syndrome 2. Last evaluated: 2019-02-26. Review status: criteria provided, single submitter. Criteria: Invitae Variant Classification Sherloc (09022015). Collection method: clinical testing. Allele origin: germline.
Comment: This variant is a gross deletion of the genomic region encompassing exons 10-11 of the RNASEH2B gene. The 5' boundary is likely confined to intron 9. The 3' end of this event is unknown as it extends through the termination codon beyond the assayed region for this gene and may encompass additional genes. While this deletion is not anticipated to result in nonsense mediated decay, it is expected to create a truncated protein product or disrupt mRNA translation. This variant has not been reported in the literature in individuals with RNASEH2B-related disease. In summary, the available evidence is currently insufficient to determine the role of this variant in disease. Therefore, it has been classified as a Variant of Uncertain Significance.

NC_000013.11:g.(?_50953885)_(50956494_?)del

Gene: RNASEH2B (ribonuclease H2 subunit B; plus strand). Cytogenetic location: 13q14.3.
Variant type: Deletion.
Identifiers: ClinVar variation 642640 (VCV000642640.2).